The following is an entry in ClinVar:

NM_000372.5(TYR):c.1184G>C (p.Ser395Thr)

Gene: TYR (tyrosinase; plus strand). Cytogenetic location: 11q14.3.
Variant type: single nucleotide variant.
Coding change: c.1184G>C on transcript NM_000372.5 (MANE Select); coding-DNA position 1184, G replaced by C.
Protein change: p.Ser395Thr; replaces serine 395 with threonine.
Molecular consequence: missense variant.
Genome position (GRCh38, 1-based): chr11:89,227,970, G>C. VCF-style: chr11-89227970-G-C. GRCh37 (hg19) VCF-style: chr11-88961138-G-C.
Other names: short protein forms S395T.
Identifiers: ClinVar variation 4848500 (VCV004848500.2).

ClinVar aggregate classification (germline): Uncertain significance. Review status: criteria provided, multiple submitters, no conflicts (2 of 4 stars). 2 submissions from 2 submitters: Uncertain significance (2). Last evaluated 2026-08-07.

Conditions:
Oculocutaneous albinism type 1. Also called: Albinism 1; ALBINISM I. Identifiers: Orphanet 352731, MedGen C0268494, MONDO:0018135. Disease mechanism: loss of function.

Submissions (2):

Myriad Genetics, Inc.
Classification: Uncertain significance for Oculocutaneous albinism type 1. Last evaluated: 2026-08-07. Review status: criteria provided, single submitter. Criteria: Myriad Autosomal Dominant, Autosomal Recessive and X-Linked Classification Criteria (2023). Collection method: clinical testing. Allele origin: unknown.
Comment: NM_000372.4(TYR):c.1184G>C(S395T) is a missense variant classified as a variant of uncertain significance in the context of oculocutaneous albinism, TYR-related. S395T has not been observed in cases with relevant disease. Relevant functional assessments of this variant are not available in the literature. S395T has not been observed in referenced population frequency databases. In summary, there is insufficient evidence to classify NM_000372.4(TYR):c.1184G>C(S395T) as pathogenic or benign. Please note: this variant was assessed in the context of healthy population screening.

Women's Health and Genetics/Laboratory Corporation of America, LabCorp
Classification: Uncertain significance. Last evaluated: 2026-04-16. Review status: criteria provided, single submitter. Criteria: LabCorp Variant Classification Summary - May 2015. Collection method: clinical testing. Allele origin: germline.
Comment: Variant summary: TYR c.1184G>C (p.Ser395Thr) results in a conservative amino acid change in the encoded protein sequence. Algorithms developed to predict the effect of missense changes on protein structure and function are either unavailable or do not agree on the potential impact of this missense change. Several computational tools predict a significant impact on normal splicing: Three predict the variant abolishes a 5' splicing donor site. One predicts the variant weakens a 5' donor site. Four predict the variant abolishes a cryptic 3' acceptor site. However, these predictions have yet to be confirmed by functional studies. The variant was absent in 250996 control chromosomes. To our knowledge, no occurrence of c.1184G>C in individuals affected with TYR-related conditions has been reported. At least one publication reports experimental evidence evaluating an impact on protein function in vitro. The most pronounced variant effect results in 10%-<30% of normal activity (example, Ellis_2000). The following publication have been ascertained in the context of this evaluation (PMID: 10747809). No submitters have cited clinical-significance assessments for this variant to ClinVar. Based on the evidence outlined above, the variant was classified as VUS-possibly pathogenic.

Literature cited by the submitters: PubMed 10747809 (cited by Women's Health and Genetics/Laboratory Corporation of America, LabCorp).